The following is an entry in ClinVar:

ClinVar aggregate classification (germline): Pathogenic (1 of 4 stars; one submission).

Submission:

Labcorp Genetics (formerly Invitae), Labcorp
Classification: Pathogenic. Last evaluated: 2025-01-27. Review status: criteria provided, single submitter. Criteria: Invitae Variant Classification Sherloc (09022015). Collection method: clinical testing. Allele origin: germline.
Comment: This sequence change creates a premature translational stop signal (p.Pro1076Leufs*54) in the COL2A1 gene. It is expected to result in an absent or disrupted protein product. Loss-of-function variants in COL2A1 are known to be pathogenic (PMID: 20179744). This variant is not present in population databases (gnomAD no frequency). This variant has not been reported in the literature in individuals affected with COL2A1-related conditions. ClinVar contains an entry for this variant (Variation ID: 2049701). For these reasons, this variant has been classified as Pathogenic.

Literature cited by the submitters: PubMed 20179744.

NM_001844.5(COL2A1):c.3227del (p.Pro1076fs)

Gene: COL2A1 (collagen type II alpha 1 chain; minus strand). Cytogenetic location: 12q13.11.
Variant type: Deletion.
Coding change: c.3227del on transcript NM_001844.5 (MANE Select); coding-DNA position 3227, one base deleted (C; older notation c.3227delC).
Protein change: p.Pro1076fs; shifts the reading frame from proline 1076.
Molecular consequence: frameshift variant.
Genome position (GRCh38, 1-based): chr12:47,977,366, G deleted on the plus strand (C on the coding strand, the reverse complement: COL2A1 is on the minus strand); the first of 4 consecutive G bases (chr12:47,977,366-47,977,369); deleting any one gives the same sequence. VCF-style (leftmost placement, unchanged base first): chr12-47977365-AG-A. GRCh37 (hg19) VCF-style: chr12-48371148-AG-A.
Other names: c.3020del, p.Pro1007fs (NM_033150.3); short protein forms P1076fs, P1007fs.
Identifiers: ClinVar variation 2049701 (VCV002049701.4), dbSNP rs2540107843, ClinGen allele CA2580085491.